The following is an entry in ClinVar:

NM_173689.7(CRB2):c.855C>T (p.Tyr285=)

Gene: CRB2 (crumbs cell polarity complex component 2; plus strand). Cytogenetic location: 9q33.3.
Variant type: single nucleotide variant.
Coding change: c.855C>T on transcript NM_173689.7 (MANE Select); coding-DNA position 855, C replaced by T.
Protein change: p.Tyr285=; no amino-acid change (tyrosine 285 retained).
Molecular consequence: synonymous variant.
Genome position (GRCh38, 1-based): chr9:123,367,272, C>T. VCF-style: chr9-123367272-C-T. GRCh37 (hg19) VCF-style: chr9-126129551-C-T.
Identifiers: ClinVar variation 713333 (VCV000713333.13), dbSNP rs147047443, ClinGen allele CA5231821.

ClinVar aggregate classification (germline): Likely benign. Review status: criteria provided, multiple submitters, no conflicts (2 of 4 stars). 3 submissions from 3 submitters: Likely benign (2). 1 of the submissions does not count toward it. Last evaluated 2026-02-01.

Conditions:
CRB2-related disorder. Also called: CRB2-related condition; CRB2-related disorders.

Allele frequency attached by ClinVar (database versions not stated): gnomAD exomes 0.00010 and 0.00021; ExAC 0.00023; 1000 Genomes Project 30x 0.00031; 1000 Genomes Project 0.00040; TOPMed 0.00066; gnomAD 0.00068 and 0.00073; ESP Exome Variant Server 0.00085.
gnomAD v4.1: 260 of 1,600,128 alleles (0.016%); highest among the groups gnomAD compares: African/African-American, 0.21%; 1 homozygote.

Submissions (3):

Labcorp Genetics (formerly Invitae), Labcorp
Classification: Likely benign. Last evaluated: 2026-02-01. Review status: criteria provided, single submitter. Criteria: Invitae Variant Classification Sherloc (09022015). Collection method: clinical testing. Allele origin: germline.

Blueprint Genetics
Classification: Likely benign. Last evaluated: 2021-08-09. Review status: criteria provided, single submitter. Criteria: ACMG Guidelines, 2015. Collection method: clinical testing. Allele origin: germline.

PreventionGenetics, part of Exact Sciences
Classification: Likely benign for CRB2-related condition. Last evaluated: 2020-02-18. Review status: no assertion criteria provided. Collection method: clinical testing. Allele origin: germline. Not counted in ClinVar's aggregate classification.
Comment: This variant is classified as likely benign based on ACMG/AMP sequence variant interpretation guidelines (Richards et al. 2015 PMID: 25741868, with internal and published modifications).